The following is an entry in ClinVar:

NM_003482.4(KMT2D):c.2088_2114del (p.Thr698_Pro706del)

Gene: KMT2D (lysine methyltransferase 2D; minus strand). Cytogenetic location: 12q13.12.
Variant type: Deletion.
Coding change: c.2088_2114del on transcript NM_003482.4 (MANE Select); coding-DNA positions 2088 to 2114, 27 bases deleted (CCCCACATCCCCACCACCTGAGGACTC).
Protein change: p.Thr698_Pro706del.
Molecular consequence: inframe deletion.
Genome position (GRCh38, 1-based): chr12:49,051,569-49,051,595, GAGTCCTCAGGTGGTGGGGATGTGGGG deleted on the plus strand (CCCCACATCCCCACCACCTGAGGACTC on the coding strand, the reverse complement: KMT2D is on the minus strand); deleting any 27 consecutive bases within chr12:49,051,569-49,051,615 gives the same sequence; the c. name uses the placement nearest the transcript's 3' end. VCF-style (leftmost placement, unchanged base first): chr12-49051568-TGAGTCCTCAGGTGGTGGGGATGTGGGG-T. GRCh37 (hg19) VCF-style: chr12-49445351-TGAGTCCTCAGGTGGTGGGGATGTGGGG-T.
Other names: c.2088_2114delCCCCACATCCCCACCACCTGAGGACTC (NM_003482.3).
Identifiers: ClinVar variation 285393 (VCV000285393.17), dbSNP rs780334086, ClinGen allele CA6548343.

ClinVar aggregate classification (germline): Benign/Likely benign. Review status: criteria provided, multiple submitters, no conflicts (2 of 4 stars). 4 submissions from 4 submitters: Benign (2); Likely benign (1). 1 of the submissions does not count toward it. Last evaluated 2025-12-24.

Conditions:
Kabuki syndrome. Also called: Kabuki make-up syndrome; NIIKAWA-KUROKI SYNDROME. Identifiers: Orphanet 2322, MedGen C0796004, MONDO:0016512.
KMT2D-related disorder. Also called: KMT2D-Related Disorders.

Submissions (4):

Labcorp Genetics (formerly Invitae), Labcorp
Classification: Likely benign for Kabuki syndrome. Last evaluated: 2025-12-24. Review status: criteria provided, single submitter. Criteria: Invitae Variant Classification Sherloc (09022015). Collection method: clinical testing. Allele origin: germline.

GeneDx
Classification: Benign. Last evaluated: 2020-10-13. Review status: criteria provided, single submitter. Criteria: GeneDx Variant Classification Process June 2021. Collection method: clinical testing. Allele origin: germline. Affected: yes.

Eurofins Ntd Llc (ga)
Classification: Benign. Last evaluated: 2016-01-06. Review status: criteria provided, single submitter. Criteria: EGL Classification Definitions 2015. Collection method: clinical testing. Allele origin: germline. Observed: 1 variant allele, 1 heterozygote.

PreventionGenetics, part of Exact Sciences
Classification: Likely benign for KMT2D-related condition. Last evaluated: 2021-10-30. Review status: no assertion criteria provided. Collection method: clinical testing. Allele origin: germline. Not counted in ClinVar's aggregate classification.
Comment: This variant is classified as likely benign based on ACMG/AMP sequence variant interpretation guidelines (Richards et al. 2015 PMID: 25741868, with internal and published modifications).